The following is an entry in ClinVar:

ClinVar aggregate classification (germline): Uncertain significance (1 of 4 stars; one submission).

Allele frequency attached by ClinVar (database versions not stated): gnomAD exomes 0.00002 and 0.00004; ExAC 0.00003; gnomAD 0.00003 and 0.00005; TOPMed 0.00005.
gnomAD v4.1: 30 of 1,610,528 alleles (0.0019%); highest among the groups gnomAD compares: Middle Eastern, 0.016%; no homozygotes.

Submission:

Labcorp Genetics (formerly Invitae), Labcorp
Classification: Uncertain significance. Last evaluated: 2025-03-31. Review status: criteria provided, single submitter. Criteria: Invitae Variant Classification Sherloc (09022015). Collection method: clinical testing. Allele origin: germline.
Comment: This sequence change replaces proline, which is neutral and non-polar, with leucine, which is neutral and non-polar, at codon 725 of the LRRC8A protein (p.Pro725Leu). This variant is present in population databases (rs775809202, gnomAD 0.02%). This variant has not been reported in the literature in individuals affected with LRRC8A-related conditions. ClinVar contains an entry for this variant (Variation ID: 1476252). An algorithm developed to predict the effect of missense changes on protein structure and function (PolyPhen-2) suggests that this variant is likely to be tolerated. In summary, the available evidence is currently insufficient to determine the role of this variant in disease. Therefore, it has been classified as a Variant of Uncertain Significance.

NM_019594.4(LRRC8A):c.2174C>T (p.Pro725Leu)

Gene: LRRC8A (leucine rich repeat containing 8 VRAC subunit A; plus strand). Cytogenetic location: 9q34.11.
Variant type: single nucleotide variant.
Coding change: c.2174C>T on transcript NM_019594.4 (MANE Select); coding-DNA position 2174, C replaced by T.
Protein change: p.Pro725Leu; replaces proline 725 with leucine.
Molecular consequence: missense variant.
Genome position (GRCh38, 1-based): chr9:128,916,112, C>T. VCF-style: chr9-128916112-C-T. GRCh37 (hg19) VCF-style: chr9-131678391-C-T.
Other names: c.2174C>T, p.Pro725Leu (NM_001127244.2, NM_001127245.2); short protein forms P725L.
Identifiers: ClinVar variation 1476252 (VCV001476252.6), dbSNP rs775809202, ClinGen allele CA5271032.